The following is an entry in ClinVar:

ClinVar aggregate classification (germline): Uncertain significance (1 of 4 stars; one submission).

Conditions:
Spastic paraplegia. Identifiers: MedGen C0037772, HP:0001258.

Submission:

Labcorp Genetics (formerly Invitae), Labcorp
Classification: Uncertain significance for Spastic paraplegia. Last evaluated: 2023-01-24. Review status: criteria provided, single submitter. Criteria: Invitae Variant Classification Sherloc (09022015). Collection method: clinical testing. Allele origin: germline.
Comment: In summary, the available evidence is currently insufficient to determine the role of this variant in disease. Therefore, it has been classified as a Variant of Uncertain Significance. Advanced modeling of protein sequence and biophysical properties (such as structural, functional, and spatial information, amino acid conservation, physicochemical variation, residue mobility, and thermodynamic stability) has been performed at Invitae for this missense variant, however the output from this modeling did not meet the statistical confidence thresholds required to predict the impact of this variant on KIF5A protein function. This variant has not been reported in the literature in individuals affected with KIF5A-related conditions. This variant is not present in population databases (gnomAD no frequency). This sequence change replaces serine, which is neutral and polar, with arginine, which is basic and polar, at codon 207 of the KIF5A protein (p.Ser207Arg).

NM_004984.4(KIF5A):c.621C>A (p.Ser207Arg)

Gene: KIF5A (kinesin family member 5A; plus strand). Cytogenetic location: 12q13.3.
Variant type: single nucleotide variant.
Coding change: c.621C>A on transcript NM_004984.4 (MANE Select); coding-DNA position 621, C replaced by A.
Protein change: p.Ser207Arg; replaces serine 207 with arginine.
Molecular consequence: missense variant.
Genome position (GRCh38, 1-based): chr12:57,567,525, C>A. VCF-style: chr12-57567525-C-A. GRCh37 (hg19) VCF-style: chr12-57961308-C-A.
Other names: c.354C>A, p.Ser118Arg (NM_001354705.2); short protein forms S118R, S207R.
Identifiers: ClinVar variation 2895337 (VCV002895337.3), dbSNP rs780736452, ClinGen allele CA385499113.